The following is an entry in ClinVar:

ClinVar aggregate classification (germline): Conflicting classifications of pathogenicity. Review status: criteria provided, conflicting classifications (1 of 4 stars). 16 submissions from 11 submitters: Uncertain significance (1); Benign (6); Likely benign (7). 2 of the submissions do not count toward it. Last evaluated 2025-12-20.

Conditions:
TRPV4-related disorder. Also called: TRPV4-related disorders; TRPV4-related condition.
Inborn genetic diseases. Identifiers: MedGen C0950123, MeSH D030342.
Charcot-Marie-Tooth disease. Also called: Charcot-Marie-Tooth Hereditary Neuropathy; Charcot-Marie-Tooth Neuropathy. Identifiers: Orphanet 166, MedGen C0007959, MONDO:0015626.
Scapuloperoneal spinal muscular atrophy (SPSMA). Also called: Scapuloperoneal Form of Spinal Muscular Atrophy; Scapuloperoneal spinal muscular atrophy, autosomal dominant; Scapuloperoneal Spinal Muscular Atrophy, TRPV4-Related; AMYOTROPHY, NEUROGENIC SCAPULOPERONEAL, NEW ENGLAND TYPE. Identifiers: Orphanet 431255, MedGen C0751335, MONDO:0008408, OMIM 181405.
Metatropic dysplasia (MTD). Also called: Metatropic dysplasia, nonlethal dominant; Metatropic Dysplasia, TRPV4-Related; METATROPIC DWARFISM. Identifiers: Orphanet 2635, MedGen C0265281, MONDO:0007986, OMIM 156530.
Spondylometaphyseal dysplasia, Kozlowski type (SMDK). Also called: Spondylometaphyseal Dysplasia, TRPV4-Related (Kozlowski Type); Dysmorphism arthrogryposis skeletal maturation advanced; Jequier-Kozlowski syndrome; Skeletal dysplasia Jequier-Kozlowski type; SMD Kozlowski type. Identifiers: Orphanet 93314, MedGen C0265280, MONDO:0008477, OMIM 184252.
Charcot-Marie-Tooth disease axonal type 2C (HMSN2C). Also called: Charcot-Marie-Tooth Disease Type 2, TRPV4-Related (CMT2C); CHARCOT-MARIE-TOOTH DISEASE, AXONAL, AUTOSOMAL DOMINANT, TYPE 2C; Charcot-Marie-Tooth Neuropathy Type 2C. Identifiers: Orphanet 99937, MedGen C1853710, MONDO:0011633, OMIM 606071.
Neuronopathy, distal hereditary motor, autosomal dominant 8. Also called: NEURONOPATHY, DISTAL HEREDITARY MOTOR, TYPE VIII; NEUROPATHY, DISTAL HEREDITARY MOTOR, TYPE VIII; Autosomal dominant congenital benign spinal muscular atrophy; SPINAL MUSCULAR ATROPHY, CONGENITAL BENIGN, WITH CONTRACTURES. Identifiers: Orphanet 1216, MedGen C1838492, MONDO:0010839, OMIM 600175.
Brachyrachia (short spine dysplasia) (BCYM3). Also called: Autosomal dominant brachyolmia; Brachyolmia, TRPV4-Related; BRACHYRACHIA; Brachyolmia Type 3. Identifiers: Orphanet 93304, MedGen C0432227, MONDO:0007232, OMIM 113500.

Allele frequency attached by ClinVar (database versions not stated): ESP Exome Variant Server 0.00008; gnomAD exomes 0.00012 and 0.00016; ExAC 0.00015; gnomAD 0.00035 and 0.00036; TOPMed 0.00037; 1000 Genomes Project 30x 0.00094; 1000 Genomes Project 0.00100.
gnomAD v4.1: 238 of 1,610,516 alleles (0.015%); highest among the groups gnomAD compares: Middle Eastern, 0.38%; 1 homozygote.

Submissions (16):

Labcorp Genetics (formerly Invitae), Labcorp
Classification: Likely benign for Charcot-Marie-Tooth disease axonal type 2C. Last evaluated: 2025-12-20. Review status: criteria provided, single submitter. Criteria: Invitae Variant Classification Sherloc (09022015). Collection method: clinical testing. Allele origin: germline.

PreventionGenetics, part of Exact Sciences
Classification: Benign for TRPV4-related condition. Last evaluated: 2025-04-25. Review status: criteria provided, single submitter. Criteria: ACMG Guidelines, 2015. Collection method: clinical testing. Allele origin: germline.
Comment: This variant is classified as benign based on ACMG/AMP sequence variant interpretation guidelines (Richards et al. 2015 PMID: 25741868, with internal and published modifications).

Blueprint Genetics
Classification: Likely benign. Last evaluated: 2024-10-21. Review status: criteria provided, single submitter. Criteria: ACMG Guidelines, 2015. Collection method: clinical testing. Allele origin: germline.

Ambry Genetics
Classification: Likely benign for Inborn genetic diseases. Last evaluated: 2021-04-16. Review status: criteria provided, single submitter. Criteria: Ambry Variant Classification Scheme 2023. Collection method: clinical testing. Allele origin: germline.

ARUP Laboratories, Molecular Genetics and Genomics, ARUP Laboratories
Classification: Uncertain significance. Last evaluated: 2020-02-12. Review status: criteria provided, single submitter. Criteria: ARUP Molecular Germline Variant Investigation Process. Collection method: clinical testing. Allele origin: germline.
Comment: The TRPV4 c.1546A>G; p.Ile516Val variant (rs115976458), to our knowledge, is not reported in the medical literature but is reported in ClinVar (Variation ID: 215918). This variant is found in the general population with an overall allele frequency of 0.018% (50/274120 alleles) in the Genome Aggregation Database. The isoleucine at codon 516 is moderately conserved, and computational analyses (SIFT, PolyPhen-2) predict that this variant is tolerated. Due to limited information, the clinical significance of the p.Ile516Val variant is uncertain at this time.

Illumina Laboratory Services, Illumina
Classification: Benign for Scapuloperoneal spinal muscular atrophy. Last evaluated: 2018-01-12. Review status: criteria provided, single submitter. Criteria: ICSL Variant Classification Criteria 13 December 2019. Collection method: clinical testing. Allele origin: germline.
Comment: This variant was observed in the ICSL laboratory as part of a predisposition screen in an ostensibly healthy population. It had not been previously curated by ICSL or reported in the Human Gene Mutation Database (HGMD: prior to June 1st, 2018), and was therefore a candidate for classification through an automated scoring system. Utilizing variant allele frequency, disease prevalence and penetrance estimates, and inheritance mode, an automated score was calculated to assess if this variant is too frequent to cause the disease. Based on the score and internal cut-off values, a variant classified as benign is not then subjected to further curation. The score for this variant resulted in a classification of benign for this disease.

Illumina Laboratory Services, Illumina
Classification: Likely benign for Charcot-Marie-Tooth disease axonal type 2C. Last evaluated: 2018-01-12. Review status: criteria provided, single submitter. Criteria: ICSL Variant Classification Criteria 13 December 2019. Collection method: clinical testing. Allele origin: germline.
Comment: This variant was observed in the ICSL laboratory as part of a predisposition screen in an ostensibly healthy population. It had not been previously curated by ICSL or reported in the Human Gene Mutation Database (HGMD: prior to June 1st, 2018), and was therefore a candidate for classification through an automated scoring system. Utilizing variant allele frequency, disease prevalence and penetrance estimates, and inheritance mode, an automated score was calculated to assess if this variant is too frequent to cause the disease. Based on the score and internal cut-off values, a variant classified as likely benign is not then subjected to further curation. The score for this variant resulted in a classification of likely benign for this disease.

Illumina Laboratory Services, Illumina
Classification: Benign for Spondylometaphyseal dysplasia, Kozlowski type. Last evaluated: 2018-01-12. Review status: criteria provided, single submitter. Criteria: ICSL Variant Classification Criteria 13 December 2019. Collection method: clinical testing. Allele origin: germline.
Comment: the same text as in the submission from Illumina Laboratory Services, Illumina above.

Illumina Laboratory Services, Illumina
Classification: Benign for Neuronopathy, distal hereditary motor, autosomal dominant 8. Last evaluated: 2018-01-12. Review status: criteria provided, single submitter. Criteria: ICSL Variant Classification Criteria 13 December 2019. Collection method: clinical testing. Allele origin: germline.
Comment: the same text as in the submission from Illumina Laboratory Services, Illumina above.

Illumina Laboratory Services, Illumina
Classification: Benign for Brachyrachia (short spine dysplasia). Last evaluated: 2018-01-12. Review status: criteria provided, single submitter. Criteria: ICSL Variant Classification Criteria 13 December 2019. Collection method: clinical testing. Allele origin: germline.
Comment: the same text as in the submission from Illumina Laboratory Services, Illumina above.

Illumina Laboratory Services, Illumina
Classification: Benign for Metatropic dysplasia. Last evaluated: 2018-01-12. Review status: criteria provided, single submitter. Criteria: ICSL Variant Classification Criteria 13 December 2019. Collection method: clinical testing. Allele origin: germline.
Comment: the same text as in the submission from Illumina Laboratory Services, Illumina above.

GeneDx
Classification: Likely benign. Last evaluated: 2017-12-21. Review status: criteria provided, single submitter. Criteria: GeneDx Variant Classification (06012015). Collection method: clinical testing. Allele origin: germline. Affected: yes.
Comment: This variant is considered likely benign or benign based on one or more of the following criteria: it is a conservative change, it occurs at a poorly conserved position in the protein, it is predicted to be benign by multiple in silico algorithms, and/or has population frequency not consistent with disease.

Eurofins Ntd Llc (ga)
Classification: Likely benign. Last evaluated: 2017-05-01. Review status: criteria provided, single submitter. Criteria: EGL Classification Definitions 2015. Collection method: clinical testing. Allele origin: germline. Observed: 2 variant alleles, 2 heterozygotes.

Molecular Genetics Laboratory, London Health Sciences Centre
Classification: Likely benign for Charcot-Marie-Tooth disease. Review status: criteria provided, single submitter. Criteria: ACMG Guidelines, 2015. Collection method: clinical testing. Allele origin: germline. Affected: yes.

Clinical Genetics DNA and cytogenetics Diagnostics Lab, Erasmus MC, Erasmus Medical Center
Classification: Likely benign. Review status: no assertion criteria provided. Collection method: clinical testing. Allele origin: germline. Affected: yes. Study: VKGL Data-share Consensus. Not counted in ClinVar's aggregate classification.

Genome Diagnostics Laboratory, University Medical Center Utrecht
Classification: Likely benign. Review status: no assertion criteria provided. Collection method: clinical testing. Allele origin: germline. Affected: yes. Study: VKGL Data-share Consensus. Not counted in ClinVar's aggregate classification.

NM_021625.5(TRPV4):c.1546A>G (p.Ile516Val)

Gene: TRPV4 (transient receptor potential cation channel subfamily V member 4; minus strand). Cytogenetic location: 12q24.11.
Variant type: single nucleotide variant.
Coding change: c.1546A>G on transcript NM_021625.5 (MANE Select); coding-DNA position 1546, A replaced by G.
Protein change: p.Ile516Val; replaces isoleucine 516 with valine.
Molecular consequence: missense variant.
Genome position (GRCh38, 1-based): chr12:109,793,968, T>C on the plus strand (A>G on the coding strand, the complement: TRPV4 is on the minus strand). VCF-style: chr12-109793968-T-C. GRCh37 (hg19) VCF-style: chr12-110231773-T-C.
Other names: c.1405A>G, p.Ile469Val (NM_001177428.2); c.1444A>G, p.Ile482Val (NM_001177431.2); c.1225A>G, p.Ile409Val (NM_001177433.2); c.1366A>G, p.Ile456Val (NM_147204.3); short protein forms I516V, I482V, I409V, I456V, I469V.
Identifiers: ClinVar variation 215918 (VCV000215918.30), dbSNP rs115976458, ClinGen allele CA338755.